The following is an entry in ClinVar:

ClinVar aggregate classification (germline): Uncertain significance (1 of 4 stars; one submission).

Conditions:
Granulomatous disease, chronic, autosomal recessive, cytochrome b-positive, type 3. Also called: GRANULOMATOUS DISEASE, CHRONIC, DUE TO NCF4 DEFICIENCY; GRANULOMATOUS DISEASE, CHRONIC, AUTOSOMAL RECESSIVE, 3; CGD, AUTOSOMAL RECESSIVE CYTOCHROME b-POSITIVE, TYPE III; Granulomatous disease, chronic, autosomal recessive, cytochrome b-positive, type III. Identifiers: Orphanet 379, MedGen C3151409, MONDO:0013507, OMIM 613960.

Submission:

Labcorp Genetics (formerly Invitae), Labcorp
Classification: Uncertain significance for Granulomatous disease, chronic, autosomal recessive, cytochrome b-positive, type 3. Last evaluated: 2025-06-29. Review status: criteria provided, single submitter. Criteria: Invitae Variant Classification Sherloc (09022015). Collection method: clinical testing. Allele origin: germline.
Comment: This sequence change replaces valine, which is neutral and non-polar, with leucine, which is neutral and non-polar, at codon 45 of the NCF4 protein (p.Val45Leu). This variant is not present in population databases (gnomAD no frequency). This variant has not been reported in the literature in individuals affected with NCF4-related conditions. An algorithm developed to predict the effect of missense changes on protein structure and function (PolyPhen-2) suggests that this variant is likely to be disruptive. In summary, the available evidence is currently insufficient to determine the role of this variant in disease. Therefore, it has been classified as a Variant of Uncertain Significance.

NM_000631.5(NCF4):c.133G>T (p.Val45Leu)

Genes: NCF4 (neutrophil cytosolic factor 4; plus strand), NCF4-AS1 (NCF4 antisense RNA 1; minus strand). Cytogenetic location: 22q12.3.
Variant type: single nucleotide variant.
Coding change: c.133G>T on transcript NM_000631.5 (MANE Select); coding-DNA position 133, G replaced by T.
Protein change: p.Val45Leu; replaces valine 45 with leucine.
Molecular consequence: missense variant.
Genome position (GRCh38, 1-based): chr22:36,864,934, G>T. VCF-style: chr22-36864934-G-T. GRCh37 (hg19) VCF-style: chr22-37260976-G-T.
Other names: c.133G>T, p.Val45Leu (NM_013416.4); short protein forms V45L.
Identifiers: ClinVar variation 4772898 (VCV004772898.1).
Genomic context (GRCh38, chr22:36,864,934, plus strand): 5'-TGCTCCTGGCCCCTGAGCCCTCCCCACAACCTCTGTCCTCCTTAGGTTTTCGTCATCGAG[G>T]TGAAGACAAAAGGAGGATCCAAGTACCTCATCTACCGCCGCTACCGCCAGTTCCATGCTT-3'
Protein context (NP_000622.2, residues 35-55): FTSHFVFVIE[Val45Leu]KTKGGSKYLI